The following is an entry in ClinVar:

ClinVar aggregate classification (germline): Uncertain significance (1 of 4 stars; one submission).

Conditions:
Jeune thoracic dystrophy. Also called: Short-rib thoracic dysplasia; Jeune syndrome; Infantile thoracic dystrophy; Thoracic pelvic phalangeal dystrophy; Jeune's syndrome; Chondroectodermal dysplasia-like syndrome. Identifiers: Orphanet 474, MedGen C0265275, MONDO:0018770.

Allele frequency attached by ClinVar (database versions not stated): TOPMed below 0.00001; gnomAD 0.00001.
gnomAD v4.1: 5 of 1,612,994 alleles (0.00031%); highest among the groups gnomAD compares: African/African-American, 0.004%; no homozygotes.

Submission:

Labcorp Genetics (formerly Invitae), Labcorp
Classification: Uncertain significance for Jeune thoracic dystrophy. Last evaluated: 2022-06-04. Review status: criteria provided, single submitter. Criteria: Invitae Variant Classification Sherloc (09022015). Collection method: clinical testing. Allele origin: germline.
Comment: In summary, the available evidence is currently insufficient to determine the role of this variant in disease. Therefore, it has been classified as a Variant of Uncertain Significance. Algorithms developed to predict the effect of missense changes on protein structure and function (SIFT, PolyPhen-2, Align-GVGD) all suggest that this variant is likely to be tolerated. ClinVar contains an entry for this variant (Variation ID: 955352). This variant has not been reported in the literature in individuals affected with IFT80-related conditions. This variant is not present in population databases (gnomAD no frequency). This sequence change replaces aspartic acid, which is acidic and polar, with asparagine, which is neutral and polar, at codon 516 of the IFT80 protein (p.Asp516Asn).

NM_020800.3(IFT80):c.1546G>A (p.Asp516Asn)

Genes: IFT80 (intraflagellar transport 80; minus strand), TRIM59-IFT80 (TRIM59-IFT80 readthrough (NMD candidate); minus strand). Cytogenetic location: 3q25.33.
Variant type: single nucleotide variant.
Coding change: c.1546G>A on transcript NM_020800.3 (MANE Select); coding-DNA position 1546, G replaced by A.
Protein change: p.Asp516Asn; replaces aspartic acid 516 with asparagine.
Molecular consequence: missense variant. On other transcripts: non-coding transcript variant (3).
Genome position (GRCh38, 1-based): chr3:160,280,785, C>T on the plus strand (G>A on the coding strand, the complement: IFT80 is on the minus strand). VCF-style: chr3-160280785-C-T. GRCh37 (hg19) VCF-style: chr3-159998573-C-T.
Other names: c.1135G>A, p.Asp379Asn (NM_001190241.2, NM_001190242.2); short protein forms D516N, D379N.
Identifiers: ClinVar variation 955352 (VCV000955352.9), dbSNP rs1328308378, ClinGen allele CA355191381.